The following is an entry in ClinVar:

NM_001127208.3(TET2):c.1337T>G (p.Leu446Ter)

Genes: TET2 (tet methylcytosine dioxygenase 2; plus strand), TET2-AS1 (TET2 antisense RNA 1; minus strand). Cytogenetic location: 4q24.
Variant type: single nucleotide variant.
Coding change: c.1337T>G on transcript NM_001127208.3 (MANE Select); coding-DNA position 1337, T replaced by G.
Protein change: p.Leu446Ter; replaces leucine 446 with a stop codon.
Molecular consequence: nonsense.
Genome position (GRCh38, 1-based): chr4:105,235,279, T>G. VCF-style: chr4-105235279-T-G. GRCh37 (hg19) VCF-style: chr4-106156436-T-G.
Other names: c.1337T>G, p.Leu446Ter (NM_017628.4); short protein forms L446*.
Identifiers: ClinVar variation 2802851 (VCV002802851.3), dbSNP rs1728783958, ClinGen allele CA357794550.

ClinVar aggregate classification (germline): Pathogenic (1 of 4 stars; one submission).

Allele frequency attached by ClinVar (database versions not stated): TOPMed below 0.00001; gnomAD 0.00001.

Submission:

Labcorp Genetics (formerly Invitae), Labcorp
Classification: Pathogenic. Last evaluated: 2023-07-28. Review status: criteria provided, single submitter. Criteria: Invitae Variant Classification Sherloc (09022015). Collection method: clinical testing. Allele origin: germline.
Comment: This sequence change creates a premature translational stop signal (p.Leu446*) in the TET2 gene. It is expected to result in an absent or disrupted protein product. Loss-of-function variants in TET2 are known to be pathogenic (PMID: 36066697). For these reasons, this variant has been classified as Pathogenic. This variant has not been reported in the literature in individuals affected with TET2-related conditions. This variant is not present in population databases (gnomAD no frequency).

Literature cited by the submitters: PubMed 36066697.